The following is an entry in ClinVar:

ClinVar aggregate classification (germline): Uncertain significance (1 of 4 stars; one submission).

Conditions:
Nemaline myopathy 2 (NEM2). Also called: Nemaline myopathy 2, autosomal recessive. Identifiers: MedGen C1850569, MONDO:0009725, OMIM 256030.

Submission:

Labcorp Genetics (formerly Invitae), Labcorp
Classification: Uncertain significance for Nemaline myopathy 2. Last evaluated: 2021-08-31. Review status: criteria provided, single submitter. Criteria: Invitae Variant Classification Sherloc (09022015). Collection method: clinical testing. Allele origin: germline.
Comment: This sequence change replaces lysine with glutamic acid at codon 7187 of the NEB protein (p.Lys7187Glu). The lysine residue is moderately conserved and there is a small physicochemical difference between lysine and glutamic acid. This variant is not present in population databases (ExAC no frequency). This variant has not been reported in the literature in individuals affected with NEB-related conditions. Algorithms developed to predict the effect of missense changes on protein structure and function are either unavailable or do not agree on the potential impact of this missense change (SIFT: "Deleterious"; PolyPhen-2: "Not Available"; Align-GVGD: "Class C0"). In summary, the available evidence is currently insufficient to determine the role of this variant in disease. Therefore, it has been classified as a Variant of Uncertain Significance.

NM_001164508.2(NEB):c.21454A>G (p.Lys7152Glu)

Genes: NEB (nebulin; minus strand), RIF1 (replication timing regulatory factor 1; plus strand). Cytogenetic location: 2q23.3.
Variant type: single nucleotide variant.
Coding change: c.21454A>G on transcript NM_001164508.2 (MANE Select); coding-DNA position 21454, A replaced by G.
Protein change: p.Lys7152Glu; replaces lysine 7152 with glutamic acid.
Molecular consequence: missense variant.
Genome position (GRCh38, 1-based): chr2:151,531,860, T>C on the plus strand (A>G on the coding strand, the complement: NEB is on the minus strand). VCF-style: chr2-151531860-T-C. GRCh37 (hg19) VCF-style: chr2-152388374-T-C.
Other names: c.21454A>G, p.Lys7152Glu (NM_001164507.2); c.21559A>G, p.Lys7187Glu (NM_001271208.2); c.16351A>G, p.Lys5451Glu (NM_004543.5); short protein forms K5451E, K7152E, K7187E.
Identifiers: ClinVar variation 1503965 (VCV001503965.5), dbSNP rs2153501624, ClinGen allele CA348770568.